The following is an entry in ClinVar:

ClinVar aggregate classification (germline): Uncertain significance. Review status: criteria provided, multiple submitters, no conflicts (2 of 4 stars). 2 submissions from 2 submitters: Uncertain significance (2). Last evaluated 2024-10-31.

Conditions:
Inborn genetic diseases. Identifiers: MedGen C0950123, MeSH D030342.

Allele frequency attached by ClinVar (database versions not stated): gnomAD 0.00001 and 0.00010; TOPMed 0.00003; gnomAD exomes 0.00008 and 0.00013; ExAC 0.00016; 1000 Genomes Project 0.00040; 1000 Genomes Project 30x 0.00078.
gnomAD v4.1: 130 of 1,613,596 alleles (0.0081%); highest among the groups gnomAD compares: South Asian, 0.13%; 2 homozygotes.

Submissions (2):

Labcorp Genetics (formerly Invitae), Labcorp
Classification: Uncertain significance. Last evaluated: 2024-10-31. Review status: criteria provided, single submitter. Criteria: Invitae Variant Classification Sherloc (09022015). Collection method: clinical testing. Allele origin: germline.
Comment: This sequence change replaces isoleucine, which is neutral and non-polar, with valine, which is neutral and non-polar, at codon 4227 of the PCLO protein (p.Ile4227Val). This variant is present in population databases (rs535049447, gnomAD 0.1%). This missense change has been observed in individual(s) with neurodevelopmental disorder (PMID: 36114283). ClinVar contains an entry for this variant (Variation ID: 1500709). An algorithm developed to predict the effect of missense changes on protein structure and function outputs the following: PolyPhen-2: "Not Available". The valine amino acid residue is found in multiple mammalian species, which suggests that this missense change does not adversely affect protein function. In summary, the available evidence is currently insufficient to determine the role of this variant in disease. Therefore, it has been classified as a Variant of Uncertain Significance.

Ambry Genetics
Classification: Uncertain significance for Inborn genetic diseases. Last evaluated: 2022-03-30. Review status: criteria provided, single submitter. Criteria: Ambry Variant Classification Scheme 2023. Collection method: clinical testing. Allele origin: germline.

Literature cited by the submitters: PubMed 36114283 (cited by Labcorp Genetics (formerly Invitae), Labcorp).

NM_033026.6(PCLO):c.12679A>G (p.Ile4227Val)

Gene: PCLO (piccolo presynaptic cytomatrix protein; minus strand). Cytogenetic location: 7q21.11.
Variant type: single nucleotide variant.
Coding change: c.12679A>G on transcript NM_033026.6 (MANE Select); coding-DNA position 12679, A replaced by G.
Protein change: p.Ile4227Val; replaces isoleucine 4227 with valine.
Molecular consequence: missense variant.
Genome position (GRCh38, 1-based): chr7:82,915,307, T>C on the plus strand (A>G on the coding strand, the complement: PCLO is on the minus strand). VCF-style: chr7-82915307-T-C. GRCh37 (hg19) VCF-style: chr7-82544623-T-C.
Other names: c.12679A>G, p.Ile4227Val (NM_014510.3); c.12679A>G (NM_033026.5); short protein forms I4227V.
Identifiers: ClinVar variation 1500709 (VCV001500709.7), dbSNP rs535049447, ClinGen allele CA4319334.